The following is an entry in ClinVar:

ClinVar aggregate classification (germline): Conflicting classifications of pathogenicity. Review status: criteria provided, conflicting classifications (1 of 4 stars). 2 submissions from 2 submitters: Pathogenic (1); Uncertain significance (1). Last evaluated 2025-09-15.

Conditions:
Gastrointestinal stromal tumor. Also called: Gastrointestinal stroma tumor; Gastrointestinal stromal tumor, somatic. Identifiers: Orphanet 44890, MedGen C0238198, MeSH D046152, MONDO:0011719, OMIM 606764, HP:0100723.
Hereditary cancer-predisposing syndrome. Also called: Hereditary neoplastic syndrome; Tumor predisposition; Hereditary Cancer Syndrome; Neoplastic Syndromes, Hereditary. Identifiers: Orphanet 140162, MedGen C0027672, MeSH D009386, MONDO:0015356.

Submissions (2):

Ambry Genetics
Classification: Uncertain significance for Hereditary cancer-predisposing syndrome. Last evaluated: 2025-09-15. Review status: criteria provided, single submitter. Criteria: Ambry Variant Classification Scheme 2023. Collection method: clinical testing. Allele origin: germline.
Comment: The c.1990+1delG intronic variant, located in intron 13 of the KIT gene, results from a deletion of one nucleotide after coding exon 13 of the KIT gene. This nucleotide position is highly conserved in available vertebrate species. In silico splice site analysis predicts that this alteration will weaken the native splice donor site and will result in the creation or strengthening of a novel splice donor site. Alterations that disrupt the canonical splice site are expected to cause aberrant splicing, resulting in an abnormal protein or a transcript that is subject to nonsense-mediated mRNA decay. However, loss of function has not been established as a mechanism of disease. Based on the available evidence, the clinical significance of this alteration remains unclear.

Labcorp Genetics (formerly Invitae), Labcorp
Classification: Pathogenic for Gastrointestinal stromal tumor. Last evaluated: 2023-09-29. Review status: criteria provided, single submitter. Criteria: Invitae Variant Classification Sherloc (09022015). Collection method: clinical testing. Allele origin: germline.
Comment: This sequence change creates a premature translational stop signal (p.Thr666Profs*14) in the KIT gene. It is expected to result in an absent or disrupted protein product. Loss-of-function variants in KIT are known to be pathogenic (PMID: 15194144). This variant is not present in population databases (gnomAD no frequency). This variant has not been reported in the literature in individuals affected with KIT-related conditions. This variant is also known as c.1990+1del. ClinVar contains an entry for this variant (Variation ID: 1438243). Algorithms developed to predict the effect of sequence changes on RNA splicing suggest that this variant may disrupt the consensus splice site. For these reasons, this variant has been classified as Pathogenic.

Literature cited by the submitters: PubMed 15194144 (cited by Labcorp Genetics (formerly Invitae), Labcorp).

NM_000222.3(KIT):c.1990+1del

Gene: KIT (KIT proto-oncogene, receptor tyrosine kinase; plus strand). Cytogenetic location: 4q12.
Variant type: Deletion.
Coding change: c.1990+1del on transcript NM_000222.3 (MANE Select); the canonical splice donor site of the intron after coding-DNA position 1990, one base deleted (G; older notation c.1990+1delG).
Molecular consequence: splice donor variant.
Genome position (GRCh38, 1-based): chr4:54,728,122, G deleted; the last of 2 consecutive G bases (chr4:54,728,121-54,728,122); deleting either gives the same sequence. VCF-style (leftmost placement, unchanged base first): chr4-54728120-AG-A. GRCh37 (hg19) VCF-style: chr4-55594286-AG-A.
Other names: c.1990+1delG (NM_000222.2); c.1993+1del (NM_001385284.1, NM_001385290.1); c.1981+1del (NM_001385288.1, NM_001385292.1); c.1990+1del (NM_001385285.1); c.1978+1del (NM_001093772.2, NM_001385286.1).
Identifiers: ClinVar variation 1438243 (VCV001438243.6), dbSNP rs2109782285, ClinGen allele CA2573138232.
Genomic context (GRCh38, chr4:54,728,120, plus strand): 5'-CCTGAGTTACCTTGGTAATCACATGAATATTGTGAATCTACTTGGAGCCTGCACCATTGG[AG>A]GTAAAGCCGTGTCCAAGCTGCCTTTTATTGTCTGTCAGGTTATCAAAACATGACATTTTA-3'